The following is an entry in ClinVar:

ClinVar aggregate classification (germline): Uncertain significance (1 of 4 stars; one submission).

Conditions:
Asphyxiating thoracic dystrophy 3. Also called: SHORT-RIB THORACIC DYSPLASIA 3 WITH OR WITHOUT POLYDACTYLY; POLYDACTYLY WITH NEONATAL CHONDRODYSTROPHY, TYPE I; SHORT-RIB THORACIC DYSPLASIA 3/6 WITH POLYDACTYLY, DIGENIC; Short rib polydactyly syndrome 2B; Saldino-Noonan Syndrome. Identifiers: Orphanet 474, Orphanet 93269, Orphanet 93270, Orphanet 93271, MedGen C0036069, MONDO:0013127, OMIM 613091.

gnomAD v4.1: 4 of 1,589,944 alleles (0.00025%); highest among the groups gnomAD compares: Non-Finnish European, 0.00034%; no homozygotes.

Submission:

ARUP Laboratories, Molecular Genetics and Genomics, ARUP Laboratories
Classification: Uncertain significance for Asphyxiating thoracic dystrophy 3. Last evaluated: 2024-09-09. Review status: criteria provided, single submitter. Criteria: ARUP Molecular Germline Variant Investigation Process 2024. Collection method: clinical testing. Allele origin: germline.
Comment: The DYNC2H1 c.5626A>C; p.Ser1876Arg variant, to our knowledge, is not reported in the medical literature or gene specific databases. This variant is also absent from the Genome Aggregation Database (v2.1.1), indicating it is not a common polymorphism. Computational analyses are uncertain whether this variant is neutral or deleterious (REVEL: 0.257). Due to limited information, the clinical significance of this variant is uncertain at this time.

NM_001377.3(DYNC2H1):c.5626A>C (p.Ser1876Arg)

Gene: DYNC2H1 (dynein cytoplasmic 2 heavy chain 1; plus strand). Cytogenetic location: 11q22.3.
Variant type: single nucleotide variant.
Coding change: c.5626A>C on transcript NM_001377.3 (MANE Select); coding-DNA position 5626, A replaced by C.
Protein change: p.Ser1876Arg; replaces serine 1876 with arginine.
Molecular consequence: missense variant.
Genome position (GRCh38, 1-based): chr11:103,174,122, A>C. VCF-style: chr11-103174122-A-C. GRCh37 (hg19) VCF-style: chr11-103044851-A-C.
Other names: c.5626A>C, p.Ser1876Arg (NM_001080463.2); short protein forms S1876R.
Identifiers: ClinVar variation 3766822 (VCV003766822.1).